The following is an entry in ClinVar:

ClinVar aggregate classification (germline): Benign. Review status: criteria provided, multiple submitters, no conflicts (2 of 4 stars). 2 submissions from 2 submitters: Benign (2). Last evaluated 2024-07-31.

Submissions (2):

Unidad de Genómica Garrahan, Hospital de Pediatría Garrahan
Classification: Benign. Last evaluated: 2024-07-31. Review status: criteria provided, single submitter. Criteria: ACMG Guidelines, 2015. Collection method: clinical testing. Allele origin: germline. Affected: no. Observed: 27 variant alleles.
Comment: This variant is classified as Benign based on local population frequency. This variant was detected in 29% of patients studied in a panel designed for Epileptic and Developmental Encephalopathy, Progressive Myoclonus Epilepsy and Abnormal Movements and Neurodegeneration with brain iron accumulation. Number of patients: 27. Only high quality variants are reported.

GeneDx
Classification: Benign. Last evaluated: 2018-06-19. Review status: criteria provided, single submitter. Criteria: GeneDx Variant Classification (06012015). Collection method: clinical testing. Allele origin: germline. Affected: yes.
Comment: This variant is considered likely benign or benign based on one or more of the following criteria: it is a conservative change, it occurs at a poorly conserved position in the protein, it is predicted to be benign by multiple in silico algorithms, and/or has population frequency not consistent with disease.

NM_172107.4(KCNQ2):c.1248-223dup

Gene: KCNQ2 (potassium voltage-gated channel subfamily Q member 2; minus strand). Cytogenetic location: 20q13.33.
Variant type: Duplication.
Coding change: c.1248-223dup on transcript NM_172107.4 (MANE Select); 223 bases into the intron before coding-DNA position 1248, one base duplicated (A; older notation c.1248-223dupA).
Molecular consequence: intron variant.
Genome position (GRCh38, 1-based): chr20:63,419,886, T duplicated on the plus strand (A on the coding strand, the reverse complement: KCNQ2 is on the minus strand); the first of 10 consecutive T bases (chr20:63,419,886-63,419,895); duplicating any one gives the same sequence. VCF-style (leftmost placement, unchanged base first): chr20-63419885-G-GT. GRCh37 (hg19) VCF-style: chr20-62051238-G-GT.
Other names: c.1217+4282dup (NM_004518.6); c.1247+4282dup (NM_172108.5, NM_172106.3, NM_001382235.1).
Identifiers: ClinVar variation 682048 (VCV000682048.3), dbSNP rs139786707, ClinGen allele CA317437331.